The following continues an entry in ClinVar:

NM_007194.4(CHEK2):c.422A>C (p.Lys141Thr)

Gene: CHEK2. ClinVar aggregate classification (germline): Uncertain significance. Uncertain significance (11).

Submissions 10 to 14 of 14:

GeneDx
Classification: Uncertain significance. Last evaluated: 2018-06-07. Review status: criteria provided, single submitter. Criteria: GeneDx Variant Classification (06012015). Collection method: clinical testing. Allele origin: germline. Affected: yes.
Comment: This variant is denoted CHEK2 c.422A>C at the cDNA level, p.Lys141Thr (K141T) at the protein level, and results in the change of a Lysine to a Threonine (AAG>ACG). This variant was observed in at least three individuals with breast cancer (Tung 2015, Tung 2016, Kraus 2017). CHEK2 Lys141Thr was not observed in large population cohorts (Lek 2016). This variant is located in the FHA domain (Cai 2009, Roeb 2012). In silico analysis, which includes protein predictors and evolutionary conservation, supports a deleterious effect. Based on currently available evidence, it is unclear whether CHEK2 Lys141Thr is a pathogenic or benign variant. We consider it to be a variant of uncertain significance.

Institute of Human Genetics, University of Leipzig Medical Center
Classification: Uncertain significance for Familial cancer of breast. Last evaluated: 2018-04-12. Review status: criteria provided, single submitter. Criteria: ACMG Guidelines, 2015. Collection method: clinical testing. Allele origin: germline. Affected: yes. Observed: 1 variant allele.

Center of Medical Genetics and Primary Health Care
Classification: Likely pathogenic for Hereditary breast cancer. Last evaluated: 2020-04-08. Review status: no assertion criteria provided. Collection method: research. Allele origin: germline. Inheritance: Autosomal dominant inheritance. Affected: yes. Observed: 1 heterozygote. Not counted in ClinVar's aggregate classification.
Comment: ACMG Guidelines 2015 criteria This variant is in exon 3 of the CHEK2 gene in the forkhead-associated (FHA) domain (aa 113-175); it functions as a phosphopeptide recognition domain found in many regulatory proteins. It is in a mutation hotspot of 16 pathogenic variants (source ClinVar) (PM1 Pathogenic Moderate). This variant is not found in GnomAD exomes neither in GnomAD genomes (PM2 Pathogenic Moderate). This variant has been reported in the literature in individuals affected with breast cancer (PMID: 26976419, 27616075). 12 pathogenic predictions from DANN, DEOGEN2, EIGEN, FATHMM-MKL, M-CAP, MVP, MutationAssessor, MutationTaster, REVEL, SIFT, PolyPhen-2 and Align-GVGD versus 1 benign prediction from PrimateAI support its deleterious effect (PP3 Pathogenic Supporting). Although this variant has been reported in ClinVar as a VUS, based on the evidence provided above, we classified this variant as a Likely Pathogenic.

Counsyl
Classification: Uncertain significance for Familial cancer of breast. Last evaluated: 2017-04-20. Review status: no assertion criteria provided. Collection method: clinical testing. Allele origin: unknown. Not counted in ClinVar's aggregate classification.

Department of Pathology and Laboratory Medicine, Sinai Health System
Classification: Uncertain significance. Review status: no assertion criteria provided. Collection method: clinical testing. Allele origin: unknown. Affected: yes. Study: The Canadian Open Genetics Repository (COGR). Not counted in ClinVar's aggregate classification.
Comment: The CHEK2 p.Lys141Thr variant was identified in 1 of 976 proband chromosomes (frequency: 0.001) from individuals or families with stage I to stage III breast cancer (Tung 2016). The variant was also identified in dbSNP (ID: rs786203192) as â€šÃ„Ãºwith uncertain significance alleleâ€šÃ„Ã¹ and in the ClinVar and Clinvitae databases as uncertain significance by Ambry Genetics, GeneDx and Invitae. The variant was not identified in Cosmic, MutDB, or the Zhejiang Colon Cancer Databases. The variant was not identified in the following control databases: the 1000 Genomes Project, the NHLBI GO Exome Sequencing Project, the Exome Aggregation Consortium (August 8th 2016), or the Genome Aggregation Database (Feb 27, 2017). The p.Lys141 residue is conserved in mammals but not in more distantly related organisms, and four out of five computational analyses (PolyPhen-2, SIFT, AlignGVGD, BLOSUM, MutationTaster) suggest that the Thr variant may impact the protein; however, this information is not predictive enough to assume pathogenicity. The variant occurs outside of the splicing consensus sequence and 1 of 5 in silico or computational prediction software programs (SpliceSiteFinder, MaxEntScan, NNSPLICE, GeneSplicer, HumanSpliceFinder) predicts a greater than 10% difference in splicing; this is not very predictive of pathogenicity. In summary, based on the above information the clinical significance of this variant cannot be determined with certainty at this time. This variant is classified as a variant of uncertain significance.

Literature cited by the submitters: PubMed 25186627 (cited by 3 submitters); PubMed 26976419 (cited by 3 submitters); PubMed 27616075 (cited by 5 submitters); PubMed 33558524 (cited by 4 submitters); PubMed 33980423 (cited by Labcorp Genetics (formerly Invitae), Labcorp and Color Diagnostics, LLC DBA Color Health); PubMed 37449874 (cited by 3 submitters); PubMed 32658311 (cited by Ambry Genetics); PubMed 34903604 (cited by 3 submitters); PubMed 36288950 (cited by Ambry Genetics); PubMed 33471991 (cited by Color Diagnostics, LLC DBA Color Health).